The following is an entry in ClinVar:

NM_152564.5(VPS13B):c.6962_6963delinsCG (p.Val2321Ala)

Gene: VPS13B (vacuolar protein sorting 13 homolog B; plus strand). Cytogenetic location: 8q22.2.
Variant type: Indel.
Coding change: c.6962_6963delinsCG on transcript NM_152564.5 (MANE Select); coding-DNA positions 6962 to 6963, TA replaced by CG.
Protein change: p.Val2321Ala; replaces valine 2321 with alanine.
Molecular consequence: missense variant.
Genome position (GRCh38, 1-based): chr8:99,720,959-99,720,960, TA replaced by CG. VCF-style: chr8-99720959-TA-CG. GRCh37 (hg19) VCF-style: chr8-100733187-TA-CG.
Other names: c.7037_7038delinsCG, p.Val2346Ala (NM_017890.5); short protein forms V2321A, V2346A.
Identifiers: ClinVar variation 1009562 (VCV001009562.6), dbSNP rs1833106696, ClinGen allele CA2497230367.
Genomic context (GRCh38, chr8:99,720,959, plus strand): 5'-TTTATAATGAAACTGAAGATTGCCCAGGGATGATGTTATGGAGATATCCAGAACCTAGAG[TA>CG]CTCACCCTTGTACGAATAACTCCTGTACCTTTTAACACCACAGAGGATCCAGATATTAGC-3'
Protein context (NP_689777.3, residues 2311-2331): MMLWRYPEPR[Val2321Ala]LTLVRITPVP

ClinVar aggregate classification (germline): Uncertain significance (1 of 4 stars; one submission).

Conditions:
Cohen syndrome (COH1). Also called: PEPPER SYNDROME; Cutis verticis gyrata, retinitis pigmentosa, and sensorineural deafness. Identifiers: Orphanet 193, MedGen C0265223, MONDO:0008999, OMIM 216550.

Submission:

Labcorp Genetics (formerly Invitae), Labcorp
Classification: Uncertain significance for Cohen syndrome. Last evaluated: 2021-08-27. Review status: criteria provided, single submitter. Criteria: Invitae Variant Classification Sherloc (09022015). Collection method: clinical testing. Allele origin: germline.
Comment: This variant, c.7037_7038delinsCG, is a complex sequence change that results in the deletion of 1 and insertion of 1 amino acid(s) in the VPS13B protein (p.Val2346Ala). The frequency data for this variant in the population databases is not available, as this variant may be reported as separate entries in the ExAC database. This variant has not been reported in the literature in individuals affected with VPS13B-related conditions. Algorithms developed to predict the effect of missense changes on protein structure and function are either unavailable or do not agree on the potential impact of this missense change (SIFT: "Not Available"; PolyPhen-2: "Possibly Damaging"; Align-GVGD: "Not Available"). In summary, the available evidence is currently insufficient to determine the role of this variant in disease. Therefore, it has been classified as a Variant of Uncertain Significance.